The following is an entry in ClinVar:

NM_001928.4(CFD):c.501G>C (p.Gln167His)

Gene: CFD (complement factor D; plus strand). Cytogenetic location: 19p13.3.
Variant type: single nucleotide variant.
Coding change: c.501G>C on transcript NM_001928.4 (MANE Select); coding-DNA position 501, G replaced by C.
Protein change: p.Gln167His; replaces glutamine 167 with histidine.
Molecular consequence: missense variant.
Genome position (GRCh38, 1-based): chr19:861,842, G>C. VCF-style: chr19-861842-G-C. GRCh37 (hg19) VCF-style: chr19-861842-G-C.
Other names: c.522G>C, p.Gln174His (NM_001317335.2); c.501G>C (NM_001928.3, NM_001928.2); short protein forms Q167H, Q174H.
Identifiers: ClinVar variation 1037449 (VCV001037449.7), dbSNP rs376221139, ClinGen allele CA9026382.

ClinVar aggregate classification (germline): Uncertain significance. Review status: criteria provided, multiple submitters, no conflicts (2 of 4 stars). 4 submissions from 4 submitters: Uncertain significance (4). Last evaluated 2024-05-08.

Conditions:
CFD-related disorder. Also called: CFD-related condition.

Allele frequency attached by ClinVar (database versions not stated): gnomAD exomes 0.00014; ExAC 0.00015; gnomAD 0.00019 and 0.00021; TOPMed 0.00028; ESP Exome Variant Server 0.00008.
gnomAD v4.1: 151 of 1,600,124 alleles (0.0094%); highest among the groups gnomAD compares: Middle Eastern, 0.3%; no homozygotes.

Submissions (4):

Ambry Genetics
Classification: Uncertain significance. Last evaluated: 2024-05-08. Review status: criteria provided, single submitter. Criteria: Ambry Variant Classification Scheme 2023. Collection method: clinical testing. Allele origin: germline.

PreventionGenetics, part of Exact Sciences
Classification: Uncertain significance for CFD-related condition. Last evaluated: 2023-08-01. Review status: criteria provided, single submitter. Criteria: ACMG Guidelines, 2015. Collection method: clinical testing. Allele origin: germline.
Comment: The CFD c.501G>C variant is predicted to result in the amino acid substitution p.Gln167His. To our knowledge, this variant has not been reported in the literature. This variant is reported in 0.032% of alleles in individuals of Ashkenazi Jewish descent in gnomAD. At this time, the clinical significance of this variant is uncertain due to the absence of conclusive functional and genetic evidence.

Labcorp Genetics (formerly Invitae), Labcorp
Classification: Uncertain significance. Last evaluated: 2022-10-18. Review status: criteria provided, single submitter. Criteria: Invitae Variant Classification Sherloc (09022015). Collection method: clinical testing. Allele origin: germline.
Comment: This sequence change replaces glutamine, which is neutral and polar, with histidine, which is basic and polar, at codon 167 of the CFD protein (p.Gln167His). This variant is present in population databases (rs376221139, gnomAD 0.02%). This variant has not been reported in the literature in individuals affected with CFD-related conditions. ClinVar contains an entry for this variant (Variation ID: 1037449). Algorithms developed to predict the effect of missense changes on protein structure and function output the following: SIFT: "Not Available"; PolyPhen-2: "Benign"; Align-GVGD: "Not Available". The histidine amino acid residue is found in multiple mammalian species, which suggests that this missense change does not adversely affect protein function. In summary, the available evidence is currently insufficient to determine the role of this variant in disease. Therefore, it has been classified as a Variant of Uncertain Significance.

Breakthrough Genomics
Classification: Uncertain significance. Review status: criteria provided, single submitter. Criteria: ACMG Guidelines, 2015. Collection method: not provided. Allele origin: germline. Inheritance: Autosomal recessive inheritance. Affected: yes.